The following is an entry in ClinVar:

NM_001999.4(FBN2):c.1871C>T (p.Thr624Ile)

Gene: FBN2 (fibrillin 2; minus strand). Cytogenetic location: 5q23.3.
Variant type: single nucleotide variant.
Coding change: c.1871C>T on transcript NM_001999.4 (MANE Select); coding-DNA position 1871, C replaced by T.
Protein change: p.Thr624Ile; replaces threonine 624 with isoleucine.
Molecular consequence: missense variant.
Genome position (GRCh38, 1-based): chr5:128,376,832, G>A on the plus strand (C>T on the coding strand, the complement: FBN2 is on the minus strand). VCF-style: chr5-128376832-G-A. GRCh37 (hg19) VCF-style: chr5-127712525-G-A.
Other names: short protein forms T624I.
Identifiers: ClinVar variation 3513668 (VCV003513668.1).

ClinVar aggregate classification (germline): Uncertain significance (1 of 4 stars; one submission).

Conditions:
Familial thoracic aortic aneurysm and aortic dissection (TAAD). Also called: Thoracic aortic aneurysms and dissections. Identifiers: Orphanet 91387, MedGen C4707243, MONDO:0019625.

gnomAD v4.1: 2 of 1,613,416 alleles (0.00012%); highest among the groups gnomAD compares: Non-Finnish European, 0.00017%; no homozygotes.

Submission:

Ambry Genetics
Classification: Uncertain significance for Familial thoracic aortic aneurysm and aortic dissection. Last evaluated: 2024-11-26. Review status: criteria provided, single submitter. Criteria: Ambry Variant Classification Scheme 2023. Collection method: clinical testing. Allele origin: germline.
Comment: The p.T624I variant (also known as c.1871C>T), located in coding exon 14 of the FBN2 gene, results from a C to T substitution at nucleotide position 1871. The threonine at codon 624 is replaced by isoleucine, an amino acid with similar properties. This amino acid position is well conserved in available vertebrate species. In addition, this alteration is predicted to be deleterious by in silico analysis. Based on the available evidence, the clinical significance of this variant remains unclear.